The following is an entry in ClinVar:

NM_000123.4(ERCC5):c.2453C>T (p.Ala818Val)

Genes: BIVM-ERCC5 (BIVM-ERCC5 readthrough; plus strand), ERCC5 (ERCC excision repair 5, endonuclease; plus strand), LOC126861834 (BRD4-independent group 4 enhancer GRCh37_chr13:103518038-103519237; plus strand). Cytogenetic location: 13q33.1.
Variant type: single nucleotide variant.
Coding change: c.2453C>T on transcript NM_000123.4 (MANE Select); coding-DNA position 2453, C replaced by T.
Protein change: p.Ala818Val; replaces alanine 818 with valine.
Molecular consequence: missense variant.
Genome position (GRCh38, 1-based): chr13:102,866,765, C>T. VCF-style: chr13-102866765-C-T. GRCh37 (hg19) VCF-style: chr13-103519115-C-T.
Other names: c.3815C>T, p.Ala1272Val (NM_001204425.2); short protein forms A1272V, A818V.
Identifiers: ClinVar variation 996657 (VCV000996657.6), dbSNP rs774078839, ClinGen allele CA7041643.

ClinVar aggregate classification (germline): Pathogenic/Likely pathogenic. Review status: criteria provided, multiple submitters, no conflicts (2 of 4 stars). 4 submissions from 4 submitters: Pathogenic (2); Likely pathogenic (1). 1 of the submissions does not count toward it. Last evaluated 2023-04-05.

Conditions:
ERCC5-related disorders.
Xeroderma pigmentosum (XP). Identifiers: Orphanet 910, MedGen C0043346, MONDO:0019600.

Allele frequency attached by ClinVar (database versions not stated): gnomAD exomes 0.00002 and 0.00004; TOPMed 0.00005; ExAC 0.00007.
gnomAD v4.1: 28 of 1,614,110 alleles (0.0017%); highest among the groups gnomAD compares: South Asian, 0.0044%; no homozygotes.

Submissions (4):

Women's Health and Genetics/Laboratory Corporation of America, LabCorp
Classification: Pathogenic for Xeroderma pigmentosum. Last evaluated: 2023-04-05. Review status: criteria provided, single submitter. Criteria: LabCorp Variant Classification Summary - May 2015. Collection method: clinical testing. Allele origin: germline.
Comment: Variant summary: ERCC5 c.2453C>T (p.Ala818Val) results in a non-conservative amino acid change located in the XPG-I domain (IPR006086) of the encoded protein sequence. Five of five in-silico tools predict a damaging effect of the variant on protein function. The variant allele was found at a frequency of 4.4e-05 in 251384 control chromosomes (gnomAD). This frequency is not significantly higher than estimated for a pathogenic variant in ERCC5 causing Xeroderma Pigmentosum (4.4e-05 vs 0.00019), allowing no conclusion about variant significance. c.2453C>T has been reported in the literature as a biallelic genotype in multiple individuals affected with Xeroderma Pigmentosum, including at least one family in which the variant segregated with the disease phenotype (e.g. Fassihi_2016, Shah_2017). These data indicate that the variant is very likely to be associated with disease. To our knowledge, no experimental evidence demonstrating an impact on protein function has been reported. One clinical diagnostic laboratory has submitted a clinical-significance assessment for this variant to ClinVar after 2014 and classified the variant as likely pathogenic. Based on the evidence outlined above, the variant was classified as pathogenic.

GeneDx
Classification: Likely pathogenic. Last evaluated: 2022-02-17. Review status: criteria provided, single submitter. Criteria: GeneDx Variant Classification Process June 2021. Collection method: clinical testing. Allele origin: germline. Affected: yes.
Comment: Observed in the presence of an additional ERCC5 variant in multiple patients with XP-G, although it is unknown if the variants are on opposite alleles (in trans) (Fassihi et al., 2016); Not observed at significant frequency in large population cohorts (gnomAD); In silico analysis supports that this missense variant has a deleterious effect on protein structure/function; This variant is associated with the following publications: (PMID: 32821917, Yang2020[abstract], 29130490, 26884178)

Blueprint Genetics
Classification: Pathogenic for ERCC5-related disorders. Last evaluated: 2021-04-23. Review status: criteria provided, single submitter. Criteria: ACMG Guidelines, 2015. Collection method: clinical testing. Allele origin: germline. Affected: yes. Observed: 2 variant alleles.

University of Washington Center for Mendelian Genomics, University of Washington
Classification: Likely pathogenic for xeroderma pigmentosum. Review status: no assertion criteria provided. Collection method: research. Allele origin: inherited. Affected: yes. Not counted in ClinVar's aggregate classification.

Literature cited by the submitters: PubMed 26884178 (cited by Women's Health and Genetics/Laboratory Corporation of America, LabCorp); PubMed 29130490 (cited by Women's Health and Genetics/Laboratory Corporation of America, LabCorp and University of Washington Center for Mendelian Genomics, University of Washington).